The following is an entry in ClinVar:

NC_000003.11:g.(?_10070342)_(10191719_?)del

Genes: BRK1 (BRICK1 subunit of SCAR/WAVE actin nucleating complex; plus strand), FANCD2 (FA complementation group D2; plus strand), FANCD2OS (FANCD2 opposite strand; minus strand), VHL (von Hippel-Lindau tumor suppressor; plus strand). Cytogenetic location: 3p25.3.
Variant type: Deletion.
Identifiers: ClinVar variation 1456081 (VCV001456081.4).

ClinVar aggregate classification (germline): Pathogenic (1 of 4 stars; one submission).

Conditions:
Fanconi anemia (FA). Also called: Fanconi's anemia. Identifiers: Orphanet 84, MedGen C0015625, MeSH D005199, MONDO:0019391.

Submission:

Labcorp Genetics (formerly Invitae), Labcorp
Classification: Pathogenic for Fanconi anemia. Last evaluated: 2021-10-04. Review status: criteria provided, single submitter. Criteria: Invitae Variant Classification Sherloc (09022015). Collection method: clinical testing. Allele origin: germline.
Comment: For these reasons, this variant has been classified as Pathogenic. This variant has not been reported in the literature in individuals affected with FANCD2-related conditions. A gross deletion of the genomic region encompassing the full coding sequence of the FANCD2 gene has been identified. Loss-of-function variants in FANCD2 are known to be pathogenic (PMID: 17436244). The boundaries of this event are unknown as they extend beyond the assayed region for this gene and therefore may encompass additional genes.

Literature cited by the submitters: PubMed 17436244.